The following is an entry in ClinVar:

NM_002160.4(TNC):c.4072G>A (p.Val1358Ile)

Gene: TNC (tenascin C; minus strand). Cytogenetic location: 9q33.1.
Variant type: single nucleotide variant.
Coding change: c.4072G>A on transcript NM_002160.4 (MANE Select); coding-DNA position 4072, G replaced by A.
Protein change: p.Val1358Ile; replaces valine 1358 with isoleucine.
Molecular consequence: missense variant. On other transcripts: intron variant (13).
Genome position (GRCh38, 1-based): chr9:115,059,964, C>T on the plus strand (G>A on the coding strand, the complement: TNC is on the minus strand). VCF-style: chr9-115059964-C-T. GRCh37 (hg19) VCF-style: chr9-117822243-C-T.
Other names: c.3799G>A, p.Val1267Ile (NM_001410991.1, NM_001439069.1, NM_001439072.1 and 8 more transcripts); c.4072G>A, p.Val1358Ile (NM_001439065.1, NM_001439066.1, NM_001439067.1 and 11 more transcripts); c.3214+13639G>A (NM_001439099.1, NM_001439100.1, NM_001439101.1); c.3215-13282G>A (NM_001439096.1); c.3215-2539G>A (NM_001439098.1, NM_001439094.1, NM_001439090.1); c.3487+4683G>A (NM_001439097.1); c.3760+3832G>A (NM_001439093.1, NM_001439095.1); c.4033+2953G>A (NM_001439089.1, NM_001439091.1, NM_001439092.1); short protein forms V1267I, V1358I.
Identifiers: ClinVar variation 4981311 (VCV004981311.1).

ClinVar aggregate classification (germline): Uncertain significance (1 of 4 stars; one submission).

Conditions:
TNC-related disorder. Also called: TNC-related condition.

gnomAD v4.1: 86 of 1,613,900 alleles (0.0053%); highest among the groups gnomAD compares: Non-Finnish European, 0.0069%; no homozygotes.

Submission:

PreventionGenetics, part of Exact Sciences
Classification: Uncertain significance for TNC-related condition. Last evaluated: 2024-12-18. Review status: criteria provided, single submitter. Criteria: ACMG Guidelines, 2015. Collection method: clinical testing. Allele origin: germline.
Comment: The TNC c.4072G>A variant is predicted to result in the amino acid substitution p.Val1358Ile. To our knowledge, this variant has not been reported in the literature. This variant is reported in 0.0088% of alleles in individuals of European (Non-Finnish) descent in gnomAD. At this time, the clinical significance of this variant is uncertain due to the absence of conclusive functional and genetic evidence.